The following is an entry in ClinVar:

NM_005372.1(MOS):c.729C>G (p.Tyr243Ter)

Gene: MOS (MOS proto-oncogene, serine/threonine kinase; minus strand). Cytogenetic location: 8q12.1.
Variant type: single nucleotide variant.
Coding change: c.729C>G on transcript NM_005372.1 (MANE Select); coding-DNA position 729, C replaced by G.
Protein change: p.Tyr243Ter; replaces tyrosine 243 with a stop codon.
Molecular consequence: nonsense.
Genome position (GRCh38, 1-based): chr8:56,113,254, G>C on the plus strand (C>G on the coding strand, the complement: MOS is on the minus strand). VCF-style: chr8-56113254-G-C. GRCh37 (hg19) VCF-style: chr8-57025813-G-C.
Other names: short protein forms Y243*.
Identifiers: ClinVar variation 3898622 (VCV003898622.7).

ClinVar aggregate classification (germline): Uncertain significance (1 of 4 stars; one submission).

Submission:

CeGaT Center for Human Genetics Tuebingen
Classification: Uncertain significance. Last evaluated: 2025-04-01. Review status: criteria provided, single submitter. Criteria: CeGaT Center For Human Genetics Tuebingen Variant Classification Criteria Version 2. Collection method: clinical testing. Allele origin: germline. Affected: yes. Observed: 1 variant allele.
Comment: MOS: PM2